The following is an entry in ClinVar:

ClinVar aggregate classification (germline): Uncertain significance (1 of 4 stars; one submission).

Conditions:
Tuberous sclerosis syndrome (TSC). Also called: Tuberous Sclerosis Complex; Tuberous sclerosis. Identifiers: Orphanet 805, MedGen C0041341, MONDO:0001734.

gnomAD v4.1: 1 of 1,614,164 alleles (0.000062%); no homozygotes.

Submission:

Color Diagnostics, LLC DBA Color Health
Classification: Uncertain significance for Tuberous sclerosis syndrome. Last evaluated: 2025-07-20. Review status: criteria provided, single submitter. Criteria: ACMG Guidelines, 2015. Collection method: clinical testing. Allele origin: germline.
Comment: This missense variant replaces threonine with serine at codon 615 of the TSC1 protein. Computational prediction suggests that this variant may not impact protein structure and function. To our knowledge, functional studies have not been reported for this variant. This variant has not been reported in individuals affected with TSC1-related disorders in the literature. This variant has not been identified in the general population by the Genome Aggregation Database (gnomAD). The available evidence is insufficient to determine the role of this variant in disease conclusively. Therefore, this variant is classified as a Variant of Uncertain Significance.

NM_000368.5(TSC1):c.1843A>T (p.Thr615Ser)

Gene: TSC1 (TSC complex subunit 1; minus strand). Cytogenetic location: 9q34.13.
Variant type: single nucleotide variant.
Coding change: c.1843A>T on transcript NM_000368.5 (MANE Select); coding-DNA position 1843, A replaced by T.
Protein change: p.Thr615Ser; replaces threonine 615 with serine.
Molecular consequence: missense variant. On other transcripts: non-coding transcript variant (5).
Genome position (GRCh38, 1-based): chr9:132,905,735, T>A on the plus strand (A>T on the coding strand, the complement: TSC1 is on the minus strand). VCF-style: chr9-132905735-T-A. GRCh37 (hg19) VCF-style: chr9-135781122-T-A.
Other names: c.1687A>T, p.Thr563Ser (NM_001406613.1, NM_001406611.1, NM_001406612.1); c.1480A>T, p.Thr494Ser (NM_001406614.1, NM_001406615.1, NM_001406616.1 and 5 more transcripts); c.1477A>T, p.Thr493Ser (NM_001406620.1, NM_001406621.1, NM_001406622.1 and 2 more transcripts); c.1840A>T, p.Thr614Ser (NM_001162426.2, NM_001406597.1, NM_001406598.1 and 6 more transcripts); c.1690A>T, p.Thr564Ser (NM_001162427.2, NM_001406610.1); c.1843A>T, p.Thr615Ser (NM_001406592.1, NM_001406593.1, NM_001406594.1 and 7 more transcripts); c.892A>T, p.Thr298Ser (NM_001406626.1); c.889A>T, p.Thr297Ser (NM_001406627.1, NM_001406628.1); and 1 more; short protein forms T264S, T297S, T298S, T493S, T494S, T563S, T564S, T614S.
Identifiers: ClinVar variation 4758986 (VCV004758986.1).